The following is an entry in ClinVar:

ClinVar aggregate classification (germline): Uncertain significance (1 of 4 stars; one submission).

Conditions:
HYPERHOMOCYSTEINEMIA, THROMBOTIC, CBS-RELATED. Identifiers: MedGen C3150344, OMIM 236200.

Submission:

Labcorp Genetics (formerly Invitae), Labcorp
Classification: Uncertain significance for HYPERHOMOCYSTEINEMIA, THROMBOTIC, CBS-RELATED. Last evaluated: 2025-12-24. Review status: criteria provided, single submitter. Criteria: Invitae Variant Classification Sherloc (09022015). Collection method: clinical testing. Allele origin: germline.
Comment: This variant, c.1306_1311del, results in the deletion of 2 amino acid(s) of the CBS protein (p.Glu436_Ile437del), but otherwise preserves the integrity of the reading frame. This variant is not present in population databases (gnomAD no frequency). This variant has not been reported in the literature in individuals affected with CBS-related conditions. Experimental studies and prediction algorithms are not available or were not evaluated, and the functional significance of this variant is currently unknown. In summary, the available evidence is currently insufficient to determine the role of this variant in disease. Therefore, it has been classified as a Variant of Uncertain Significance.

NM_000071.3(CBS):c.1306_1311del (p.Glu436_Ile437del)

Gene: CBS (cystathionine beta-synthase; minus strand). Cytogenetic location: 21q22.3.
Variant type: Deletion.
Coding change: c.1306_1311del on transcript NM_000071.3 (MANE Select); coding-DNA positions 1306 to 1311, 6 bases deleted (GAGATC; older notation c.1306_1311delGAGATC).
Protein change: p.Glu436_Ile437del.
Molecular consequence: inframe deletion.
Genome position (GRCh38, 1-based): chr21:43,058,881-43,058,886, GATCTC deleted on the plus strand (GAGATC on the coding strand, the reverse complement: CBS is on the minus strand); deleting any 6 consecutive bases within chr21:43,058,881-43,058,889 gives the same sequence; the c. name uses the placement nearest the transcript's 3' end. VCF-style (leftmost placement, unchanged base first): chr21-43058880-GGATCTC-G. GRCh37 (hg19) VCF-style: chr21-44478990-GGATCTC-G.
Other names: c.1306_1311del, p.Glu436_Ile437del (NM_001178008.3, NM_001178009.3, NM_001320298.2); c.991_996del, p.Glu331_Ile332del (NM_001321072.1).
Identifiers: ClinVar variation 4727171 (VCV004727171.1).